The following is an entry in ClinVar:

NM_001367479.1(DNAH14):c.9938C>G (p.Ala3313Gly)

Gene: DNAH14 (dynein axonemal heavy chain 14; plus strand). Cytogenetic location: 1q42.12.
Variant type: single nucleotide variant.
Coding change: c.9938C>G on transcript NM_001367479.1 (MANE Select); coding-DNA position 9938, C replaced by G.
Protein change: p.Ala3313Gly; replaces alanine 3313 with glycine.
Molecular consequence: missense variant.
Genome position (GRCh38, 1-based): chr1:225,333,364, C>G. VCF-style: chr1-225333364-C-G. GRCh37 (hg19) VCF-style: chr1-225521066-C-G.
Other names: NM_001373.1:c.9659C>G; short protein forms A3313G.
Identifiers: ClinVar variation 3363839 (VCV003363839.1).

ClinVar aggregate classification (germline): Uncertain significance (1 of 4 stars; one submission).

Submission:

GeneDx
Classification: Uncertain significance. Last evaluated: 2023-11-02. Review status: criteria provided, single submitter. Criteria: GeneDx Variant Classification Process June 2021. Collection method: clinical testing. Allele origin: germline. Affected: yes.
Comment: Not observed at significant frequency in large population cohorts (gnomAD); In silico analysis supports that this missense variant has a deleterious effect on protein structure/function; Has not been previously published as pathogenic or benign to our knowledge; In silico analysis is inconclusive as to whether the variant alters gene splicing. In the absence of RNA/functional studies, the actual effect of this sequence change is unknown.